The following is an entry in ClinVar:

NM_006035.4(CDC42BPB):c.759C>T (p.Asp253=)

Gene: CDC42BPB (CDC42 binding protein kinase beta; minus strand). Cytogenetic location: 14q32.32.
Variant type: single nucleotide variant.
Coding change: c.759C>T on transcript NM_006035.4 (MANE Select); coding-DNA position 759, C replaced by T.
Protein change: p.Asp253=; no amino-acid change (aspartic acid 253 retained).
Molecular consequence: synonymous variant.
Genome position (GRCh38, 1-based): chr14:102,983,688, G>A on the plus strand (C>T on the coding strand, the complement: CDC42BPB is on the minus strand). VCF-style: chr14-102983688-G-A. GRCh37 (hg19) VCF-style: chr14-103450025-G-A.
Other names: c.759C>T, p.Asp253= (NM_001411054.1).
Identifiers: ClinVar variation 3389203 (VCV003389203.14).

ClinVar aggregate classification (germline): Likely benign (1 of 4 stars; one submission).

gnomAD v4.1: 25 of 1,613,814 alleles (0.0015%); highest among the groups gnomAD compares: Admixed American, 0.01%; no homozygotes.

Submission:

CeGaT Center for Human Genetics Tuebingen
Classification: Likely benign. Last evaluated: 2024-10-01. Review status: criteria provided, single submitter. Criteria: CeGaT Center For Human Genetics Tuebingen Variant Classification Criteria Version 2. Collection method: clinical testing. Allele origin: germline. Affected: yes. Observed: 1 variant allele.
Comment: CDC42BPB: BP4, BP7